The following is an entry in ClinVar:

ClinVar aggregate classification (germline): Uncertain significance (1 of 4 stars; one submission).

Conditions:
Orofacial cleft 11 (OFC11). Also called: Orofacial cleft 11; ofc11; CLEFT LIP WITH OR WITHOUT CLEFT PALATE, NONSYNDROMIC, 11. Identifiers: MedGen C2677434, MONDO:0010906, OMIM 600625.
Microphthalmia with brain and digit anomalies (MCOPS6). Also called: MICROPHTHALMIA AND PITUITARY ANOMALIES; Microphthalmia, syndromic 6. Identifiers: Orphanet 139471, MedGen C1864689, MONDO:0011936, OMIM 607932.

gnomAD v4.1: 3 of 1,613,870 alleles (0.00019%); highest among the groups gnomAD compares: African/African-American, 0.004%; no homozygotes.

Submission:

Labcorp Genetics (formerly Invitae), Labcorp
Classification: Uncertain significance for Microphthalmia with brain and digit anomalies; Orofacial cleft 11. Last evaluated: 2025-07-27. Review status: criteria provided, single submitter. Criteria: Invitae Variant Classification Sherloc (09022015). Collection method: clinical testing. Allele origin: germline.
Comment: This sequence change replaces isoleucine, which is neutral and non-polar, with methionine, which is neutral and non-polar, at codon 27 of the BMP4 protein (p.Ile27Met). This variant is present in population databases (no rsID available, gnomAD 0.007%). This variant has not been reported in the literature in individuals affected with BMP4-related conditions. An algorithm developed to predict the effect of missense changes on protein structure and function (PolyPhen-2) suggests that this variant is likely to be disruptive. In summary, the available evidence is currently insufficient to determine the role of this variant in disease. Therefore, it has been classified as a Variant of Uncertain Significance.

NM_001202.6(BMP4):c.81A>G (p.Ile27Met)

Gene: BMP4 (bone morphogenetic protein 4; minus strand). Cytogenetic location: 14q22.2.
Variant type: single nucleotide variant.
Coding change: c.81A>G on transcript NM_001202.6 (MANE Select); coding-DNA position 81, A replaced by G.
Protein change: p.Ile27Met; replaces isoleucine 27 with methionine.
Molecular consequence: missense variant. On other transcripts: 5 prime UTR variant (3).
Genome position (GRCh38, 1-based): chr14:53,952,142, T>C on the plus strand (A>G on the coding strand, the complement: BMP4 is on the minus strand). VCF-style: chr14-53952142-T-C. GRCh37 (hg19) VCF-style: chr14-54418860-T-C.
Other names: c.222A>G, p.Ile74Met (NM_001347912.1); c.-109A>G (NM_001347913.2, NM_001347915.2, NM_001347917.1); c.81A>G, p.Ile27Met (NM_001347914.2, NM_001347916.1, NM_130850.5 and 1 more transcripts); short protein forms I74M, I27M.
Identifiers: ClinVar variation 4788702 (VCV004788702.1).